The following is an entry in ClinVar:

NM_002900.3(RBP3):c.2202C>G (p.Phe734Leu)

Gene: RBP3 (retinol binding protein 3; plus strand). Cytogenetic location: 10q11.22.
Variant type: single nucleotide variant.
Coding change: c.2202C>G on transcript NM_002900.3 (MANE Select); coding-DNA position 2202, C replaced by G.
Protein change: p.Phe734Leu; replaces phenylalanine 734 with leucine.
Molecular consequence: missense variant.
Genome position (GRCh38, 1-based): chr10:47,350,686, C>G. VCF-style: chr10-47350686-C-G. GRCh37 (hg19) VCF-style: chr10-48388676-G-C.
Other names: short protein forms F734L.
Identifiers: ClinVar variation 2110861 (VCV002110861.4), dbSNP rs1836955611, ClinGen allele CA376672431.
Genomic context (GRCh38, chr10:47,350,686, plus strand): 5'-CCCACCACCCCCTGCTGTCCCCTCTCCAGAGGAGCTCACCTACCTTATTGAGGCCCTGTT[C>G]AAGACAGAGGTGCTGCCCGGCCAGCTGGGCTACCTGCGTTTTGACGCCATGGCTGAACTG-3'
Protein context (NP_002891.1, residues 724-744): EELTYLIEAL[Phe734Leu]KTEVLPGQLG

ClinVar aggregate classification (germline): Uncertain significance (1 of 4 stars; one submission).

Allele frequency attached by ClinVar (database versions not stated): TOPMed below 0.00001.

Submission:

Labcorp Genetics (formerly Invitae), Labcorp
Classification: Uncertain significance. Last evaluated: 2022-03-13. Review status: criteria provided, single submitter. Criteria: Invitae Variant Classification Sherloc (09022015). Collection method: clinical testing. Allele origin: germline.
Comment: In summary, the available evidence is currently insufficient to determine the role of this variant in disease. Therefore, it has been classified as a Variant of Uncertain Significance. Algorithms developed to predict the effect of missense changes on protein structure and function are either unavailable or do not agree on the potential impact of this missense change (SIFT: "Deleterious"; PolyPhen-2: "Benign"; Align-GVGD: "Class C0"). This variant has not been reported in the literature in individuals affected with RBP3-related conditions. This variant is not present in population databases (gnomAD no frequency). This sequence change replaces phenylalanine, which is neutral and non-polar, with leucine, which is neutral and non-polar, at codon 734 of the RBP3 protein (p.Phe734Leu).